The following is an entry in ClinVar:

NM_000089.4(COL1A2):c.647G>A (p.Arg216His)

Gene: COL1A2 (collagen type I alpha 2 chain; plus strand). Cytogenetic location: 7q21.3.
Variant type: single nucleotide variant.
Coding change: c.647G>A on transcript NM_000089.4 (MANE Select); coding-DNA position 647, G replaced by A.
Protein change: p.Arg216His; replaces arginine 216 with histidine.
Molecular consequence: missense variant.
Genome position (GRCh38, 1-based): chr7:94,408,190, G>A. VCF-style: chr7-94408190-G-A. GRCh37 (hg19) VCF-style: chr7-94037502-G-A.
Other names: short protein forms R216H.
Identifiers: ClinVar variation 659579 (VCV000659579.10), dbSNP rs756743425, ClinGen allele CA4346757.

ClinVar aggregate classification (germline): Conflicting classifications of pathogenicity. Review status: criteria provided, conflicting classifications (1 of 4 stars). 3 submissions from 3 submitters: Likely pathogenic (1); Uncertain significance (2). Last evaluated 2026-01-14.

Conditions:
Osteogenesis imperfecta type I (OI1). Also called: OI, TYPE I; OSTEOGENESIS IMPERFECTA TARDA; OSTEOGENESIS IMPERFECTA WITH BLUE SCLERAE; Osteogenesis imperfecta type 1; Classic Non-deforming Osteogenesis Imperfecta with Blue Sclerae; Lobstein's Disease. Identifiers: Orphanet 216796, Orphanet 666, MedGen C0023931, MONDO:0008146, OMIM 166200. Disease mechanism: loss of function.
Ehlers-Danlos syndrome, classic type, 1 (EDSCL1). Also called: EDS I; EHLERS-DANLOS SYNDROME, GRAVIS TYPE; EHLERS-DANLOS SYNDROME, SEVERE CLASSIC TYPE; Ehlers-Danlos Syndrome, Classic Type, COL5A1-Related; Ehlers-Danlos syndrome, type 1. Identifiers: MedGen C0268335, MONDO:0019567, OMIM 130000.
Cardiovascular phenotype. Identifiers: MedGen CN230736.

Allele frequency attached by ClinVar (database versions not stated): gnomAD exomes 0.00002; TOPMed 0.00003; ExAC 0.00002; gnomAD 0.00002.
gnomAD v4.1: 80 of 1,613,710 alleles (0.005%); highest among the groups gnomAD compares: Non-Finnish European, 0.0066%; no homozygotes.

Submissions (3):

Women's Health and Genetics/Laboratory Corporation of America, LabCorp
Classification: Uncertain significance. Last evaluated: 2026-01-14. Review status: criteria provided, single submitter. Criteria: LabCorp Variant Classification Summary - May 2015. Collection method: clinical testing. Allele origin: germline.
Comment: Variant summary: COL1A2 c.647G>A (p.Arg216His) results in a non-conservative amino acid change in the encoded protein sequence. Algorithms developed to predict the effect of missense changes on protein structure and function all suggest that this variant is likely to be disruptive. The variant allele was found at a frequency of 2e-05 in 251418 control chromosomes. The available data on variant occurrences in the general population are insufficient to allow any conclusion about variant significance. c.647G>A has been observed in individual(s) affected with Osteogenesis Imperfecta (Nadyrshina_2022). These data do not allow any conclusion about variant significance. To our knowledge, no experimental evidence demonstrating an impact on protein function has been reported. The following publication have been ascertained in the context of this evaluation (PMID: 35052464). ClinVar contains an entry for this variant (Variation ID: 659579). Based on the evidence outlined above, the variant was classified as uncertain significance.

Labcorp Genetics (formerly Invitae), Labcorp
Classification: Likely pathogenic for Osteogenesis imperfecta type I; Ehlers-Danlos syndrome, classic type, 1. Last evaluated: 2026-01-06. Review status: criteria provided, single submitter. Criteria: Invitae Variant Classification Sherloc (09022015). Collection method: clinical testing. Allele origin: germline.
Comment: This sequence change replaces arginine, which is basic and polar, with histidine, which is basic and polar, at codon 216 of the COL1A2 protein (p.Arg216His). This variant is present in population databases (rs756743425, gnomAD 0.01%). This missense change has been observed in individual(s) with autosomal dominant osteogenesis imperfecta (PMID: 35052464). ClinVar contains an entry for this variant (Variation ID: 659579). Invitae Evidence Modeling of protein sequence and biophysical properties (such as structural, functional, and spatial information, amino acid conservation, physicochemical variation, residue mobility, and thermodynamic stability) indicates that this missense variant is expected to disrupt COL1A2 protein function with a positive predictive value of 95%. In summary, the currently available evidence indicates that the variant is pathogenic, but additional data are needed to prove that conclusively. Therefore, this variant has been classified as Likely Pathogenic.

Ambry Genetics
Classification: Uncertain significance for Cardiovascular phenotype. Last evaluated: 2024-06-03. Review status: criteria provided, single submitter. Criteria: Ambry Variant Classification Scheme 2023. Collection method: clinical testing. Allele origin: germline.
Comment: The p.R216H variant (also known as c.647G>A), located in coding exon 14 of the COL1A2 gene, results from a G to A substitution at nucleotide position 647. The arginine at codon 216 is replaced by histidine, an amino acid with highly similar properties. This variant has been reported in an osteogenesis imperfecta cohort (Nadyrshina D et al. Genes (Basel), 2022 Jan;13:). This amino acid position is highly conserved in available vertebrate species. In addition, this alteration is predicted to be deleterious by in silico analysis. Based on the available evidence, the clinical significance of this variant remains unclear.

Literature cited by the submitters: PubMed 35052464 (cited by 3 submitters).